The following is an entry in ClinVar:

NM_001042492.3(NF1):c.3278T>A (p.Val1093Glu)

Gene: NF1 (neurofibromin 1; plus strand). Cytogenetic location: 17q11.2.
Variant type: single nucleotide variant.
Coding change: c.3278T>A on transcript NM_001042492.3 (MANE Select); coding-DNA position 3278, T replaced by A.
Protein change: p.Val1093Glu; replaces valine 1093 with glutamic acid.
Molecular consequence: missense variant.
Genome position (GRCh38, 1-based): chr17:31,232,153, T>A. VCF-style: chr17-31232153-T-A. GRCh37 (hg19) VCF-style: chr17-29559171-T-A.
Other names: c.3278T>A, p.Val1093Glu (NM_000267.4); short protein forms V1093E.
Identifiers: ClinVar variation 1397020 (VCV001397020.9), dbSNP rs2067124037, ClinGen allele CA398988859.
Genomic context (GRCh38, chr17:31,232,153, plus strand): 5'-TGGAAGCAGTAGTTTCACTTCTAGCTGGTCTCCCTCTGCAGCCTGAAGAAGGAGATGGTG[T>A]GGAATTGATGGAAGCCAAATCACAGTTATTTCTTAAGTAAATTTCAGTCACCAAAAAACA-3'
Protein context (NP_001035957.1, residues 1083-1103): LPLQPEEGDG[Val1093Glu]ELMEAKSQLF

ClinVar aggregate classification (germline): Pathogenic/Likely pathogenic. Review status: criteria provided, multiple submitters, no conflicts (2 of 4 stars). 2 submissions from 2 submitters: Pathogenic (1); Likely pathogenic (1). Last evaluated 2023-08-01.

Conditions:
Neurofibromatosis, type 1 (NF1). Also called: VON RECKLINGHAUSEN DISEASE; Neurofibromatosis, type I; NEUROFIBROMATOSIS, TYPE I, SOMATIC; Peripheral type neurofibromatosis. Identifiers: Orphanet 636, MedGen C0027831, MONDO:0018975, OMIM 162200. Disease mechanism: loss of function.

Submissions (2):

GeneDx
Classification: Likely pathogenic. Last evaluated: 2023-08-01. Review status: criteria provided, single submitter. Criteria: GeneDx Variant Classification Process June 2021. Collection method: clinical testing. Allele origin: germline. Affected: yes.
Comment: In silico analysis supports a deleterious effect on splicing and published cDNA sequencing on a patient's sample showed a 40bp deletion due to activation of a cryptic donor site, resulting in a frameshift and protein truncation (Wimmer et al., 2007); Identified in individuals with features of neurofibromatosis type 1 referred for genetic testing at GeneDx and in published literature (Wimmer et al., 2007; Bianchessi et al., 2015); Not observed at significant frequency in large population cohorts (gnomAD); In silico analysis supports that this missense variant does not alter protein structure/function; This variant is associated with the following publications: (PMID: 26740943, 17311297, 25486365, 2121369)

Labcorp Genetics (formerly Invitae), Labcorp
Classification: Pathogenic for Neurofibromatosis, type 1. Last evaluated: 2021-02-07. Review status: criteria provided, single submitter. Criteria: Invitae Variant Classification Sherloc (09022015). Collection method: clinical testing. Allele origin: germline.
Comment: For these reasons, this variant has been classified as Pathogenic. Studies have shown that this variant is associated with skipping of part of exon 25, which introduces a premature termination codon (PMID: 17311297). The resulting mRNA is expected to undergo nonsense-mediated decay. Advanced modeling of protein sequence and biophysical properties (such as structural, functional, and spatial information, amino acid conservation, physicochemical variation, residue mobility, and thermodynamic stability) performed at Invitae indicates that this missense variant is expected to disrupt NF1 protein function. This variant has been observed in individual(s) with clinical features of neurofibromatosis type 1 (PMID: 17311297, 26740943, Invitae). This variant is not present in population databases (ExAC no frequency). This sequence change replaces valine with glutamic acid at codon 1093 of the NF1 protein (p.Val1093Glu). The valine residue is moderately conserved and there is a moderate physicochemical difference between valine and glutamic acid. RNA analysis indicates that this variant induces altered splicing and may result in an absent or disrupted protein product.

Literature cited by the submitters: PubMed 17311297 (cited by Labcorp Genetics (formerly Invitae), Labcorp); PubMed 26740943 (cited by Labcorp Genetics (formerly Invitae), Labcorp).